The following is an entry in ClinVar:

NM_003664.5(AP3B1):c.1607T>C (p.Ile536Thr)

Gene: AP3B1 (adaptor related protein complex 3 subunit beta 1; minus strand). Cytogenetic location: 5q14.1.
Variant type: single nucleotide variant.
Coding change: c.1607T>C on transcript NM_003664.5 (MANE Select); coding-DNA position 1607, T replaced by C.
Protein change: p.Ile536Thr; replaces isoleucine 536 with threonine.
Molecular consequence: missense variant.
Genome position (GRCh38, 1-based): chr5:78,141,186, A>G on the plus strand (T>C on the coding strand, the complement: AP3B1 is on the minus strand). VCF-style: chr5-78141186-A-G. GRCh37 (hg19) VCF-style: chr5-77437010-A-G.
Other names: c.1460T>C, p.Ile487Thr (NM_001271769.2); c.1607T>C, p.Ile536Thr (NM_001410752.1); short protein forms I536T, I487T.
Identifiers: ClinVar variation 4754395 (VCV004754395.1).

ClinVar aggregate classification (germline): Uncertain significance (1 of 4 stars; one submission).

Conditions:
Hermansky-Pudlak syndrome 2 (HPS2). Also called: Platelet defects and oculocutaneous albinism. Identifiers: Orphanet 183678, Orphanet 79430, MedGen C1842362, MONDO:0011997, OMIM 608233.

gnomAD v4.1: 20 of 1,613,864 alleles (0.0012%); highest among the groups gnomAD compares: Non-Finnish European, 0.0016%; no homozygotes.

Submission:

Labcorp Genetics (formerly Invitae), Labcorp
Classification: Uncertain significance for Hermansky-Pudlak syndrome 2. Last evaluated: 2025-08-12. Review status: criteria provided, single submitter. Criteria: Invitae Variant Classification Sherloc (09022015). Collection method: clinical testing. Allele origin: germline.
Comment: This sequence change replaces isoleucine, which is neutral and non-polar, with threonine, which is neutral and polar, at codon 536 of the AP3B1 protein (p.Ile536Thr). This variant is not present in population databases (gnomAD no frequency). This variant has not been reported in the literature in individuals affected with AP3B1-related conditions. An algorithm developed to predict the effect of missense changes on protein structure and function (PolyPhen-2) suggests that this variant is likely to be tolerated. In summary, the available evidence is currently insufficient to determine the role of this variant in disease. Therefore, it has been classified as a Variant of Uncertain Significance.